The following is an entry in ClinVar:

NM_014804.3(KIAA0753):c.1853C>T (p.Thr618Ile)

Gene: KIAA0753 (KIAA0753; minus strand). Cytogenetic location: 17p13.1.
Variant type: single nucleotide variant.
Coding change: c.1853C>T on transcript NM_014804.3 (MANE Select); coding-DNA position 1853, C replaced by T.
Protein change: p.Thr618Ile; replaces threonine 618 with isoleucine.
Molecular consequence: missense variant. On other transcripts: non-coding transcript variant (3).
Genome position (GRCh38, 1-based): chr17:6,607,247, G>A on the plus strand (C>T on the coding strand, the complement: KIAA0753 is on the minus strand). VCF-style: chr17-6607247-G-A. GRCh37 (hg19) VCF-style: chr17-6510567-G-A.
Other names: c.956C>T, p.Thr319Ile (NM_001351225.2); short protein forms T319I, T618I.
Identifiers: ClinVar variation 1436055 (VCV001436055.6), dbSNP rs1970254333, ClinGen allele CA397408634.

ClinVar aggregate classification (germline): Uncertain significance (1 of 4 stars; one submission).

Allele frequency attached by ClinVar (database versions not stated): gnomAD exomes below 0.00001; TOPMed below 0.00001.
gnomAD v4.1: 1 of 1,614,070 alleles (0.000062%); highest among the groups gnomAD compares: Non-Finnish European, 0.000085%; no homozygotes.

Submission:

Labcorp Genetics (formerly Invitae), Labcorp
Classification: Uncertain significance. Last evaluated: 2022-10-05. Review status: criteria provided, single submitter. Criteria: Invitae Variant Classification Sherloc (09022015). Collection method: clinical testing. Allele origin: germline.
Comment: In summary, the available evidence is currently insufficient to determine the role of this variant in disease. Therefore, it has been classified as a Variant of Uncertain Significance. Algorithms developed to predict the effect of missense changes on protein structure and function output the following: SIFT: "Deleterious"; PolyPhen-2: "Benign"; Align-GVGD: "Class C0". The isoleucine amino acid residue is found in multiple mammalian species, which suggests that this missense change does not adversely affect protein function. ClinVar contains an entry for this variant (Variation ID: 1436055). This variant has not been reported in the literature in individuals affected with KIAA0753-related conditions. This variant is not present in population databases (gnomAD no frequency). This sequence change replaces threonine, which is neutral and polar, with isoleucine, which is neutral and non-polar, at codon 618 of the KIAA0753 protein (p.Thr618Ile).